The following is an entry in ClinVar:

ClinVar aggregate classification (germline): Uncertain significance. Review status: criteria provided, multiple submitters, no conflicts (2 of 4 stars). 2 submissions from 2 submitters: Uncertain significance (2). Last evaluated 2025-05-23.

Conditions:
Hereditary cancer-predisposing syndrome. Also called: Tumor predisposition; Hereditary neoplastic syndrome; Neoplastic Syndromes, Hereditary; Hereditary Cancer Syndrome. Identifiers: Orphanet 140162, MedGen C0027672, MeSH D009386, MONDO:0015356.
EGFR-related lung cancer (EGFR). Identifiers: MedGen CN130014.

gnomAD v4.1: 1 of 1,614,102 alleles (0.000062%); highest among the groups gnomAD compares: African/African-American, 0.0013%; no homozygotes.

Submissions (2):

Ambry Genetics
Classification: Uncertain significance for Hereditary cancer-predisposing syndrome. Last evaluated: 2025-05-23. Review status: criteria provided, single submitter. Criteria: Ambry Variant Classification Scheme 2023. Collection method: clinical testing. Allele origin: germline.
Comment: The p.S912Y variant (also known as c.2735C>A), located in coding exon 23 of the EGFR gene, results from a C to A substitution at nucleotide position 2735. The serine at codon 912 is replaced by tyrosine, an amino acid with dissimilar properties. This amino acid position is conserved. In addition, the in silico prediction for this alteration is inconclusive. Based on the available evidence, the clinical significance of this variant remains unclear.

Labcorp Genetics (formerly Invitae), Labcorp
Classification: Uncertain significance for EGFR-related lung cancer. Last evaluated: 2024-08-31. Review status: criteria provided, single submitter. Criteria: Invitae Variant Classification Sherloc (09022015). Collection method: clinical testing. Allele origin: germline.
Comment: This sequence change replaces serine, which is neutral and polar, with tyrosine, which is neutral and polar, at codon 912 of the EGFR protein (p.Ser912Tyr). This variant is present in population databases (no rsID available, gnomAD 0.01%). This variant has not been reported in the literature in individuals affected with EGFR-related conditions. Invitae Evidence Modeling of protein sequence and biophysical properties (such as structural, functional, and spatial information, amino acid conservation, physicochemical variation, residue mobility, and thermodynamic stability) indicates that this missense variant is not expected to disrupt EGFR protein function with a negative predictive value of 80%. In summary, the available evidence is currently insufficient to determine the role of this variant in disease. Therefore, it has been classified as a Variant of Uncertain Significance.

NM_005228.5(EGFR):c.2735C>A (p.Ser912Tyr)

Gene: EGFR (epidermal growth factor receptor; plus strand). Cytogenetic location: 7p11.2.
Variant type: single nucleotide variant.
Coding change: c.2735C>A on transcript NM_005228.5 (MANE Select); coding-DNA position 2735, C replaced by A.
Protein change: p.Ser912Tyr; replaces serine 912 with tyrosine.
Molecular consequence: missense variant.
Genome position (GRCh38, 1-based): chr7:55,198,750, C>A. VCF-style: chr7-55198750-C-A. GRCh37 (hg19) VCF-style: chr7-55266443-C-A.
Other names: c.2600C>A, p.Ser867Tyr (NM_001346897.2, NM_001346899.2); c.2735C>A, p.Ser912Tyr (NM_001346898.2); c.2576C>A, p.Ser859Tyr (NM_001346900.2); c.1934C>A, p.Ser645Tyr (NM_001346941.2); short protein forms S645Y, S859Y, S867Y, S912Y.
Identifiers: ClinVar variation 3622699 (VCV003622699.3).